The following is an entry in ClinVar:

NM_000540.3(RYR1):c.13032_13040dup (p.4343AGA[3])

Gene: RYR1 (ryanodine receptor 1; plus strand). Cytogenetic location: 19q13.2.
Variant type: Duplication.
Coding change: c.13032_13040dup on transcript NM_000540.3 (MANE Select); coding-DNA positions 13032 to 13040, 9 bases duplicated (GGCCGCTGG; older notation c.13032_13040dupGGCCGCTGG).
Protein change: p.4343AGA[3].
Molecular consequence: inframe insertion.
Genome position (GRCh38, 1-based): chr19:38,565,366-38,565,374, GGCCGCTGG duplicated; duplicating any 9 consecutive bases within chr19:38,565,360-38,565,374 gives the same sequence; the c. name uses the placement nearest the transcript's 3' end. VCF-style (leftmost placement, unchanged base first): chr19-38565359-G-GCGCTGGGGC. GRCh37 (hg19) VCF-style: chr19-39055999-G-GCGCTGGGGC.
Other names: c.13017_13025dup, p.4338AGA[3] (NM_001042723.2).
Identifiers: ClinVar variation 1354990 (VCV001354990.7), dbSNP rs1036726331, ClinGen allele CA308109474.
Genomic context (GRCh38, chr19:38,565,359, plus strand): 5'-GGCTTACGGCCCGCGAGGCGGCCACCGCAGTGGCGGCGCTGCTCTGGGCAGCAGTGACGC[G>GCGCTGGGGC]CGCTGGGGCCGCTGGCGCGGGGGCGGCGGCGGGCGCGCTGGGCCTGCTCTGGGGCTCGCT-3'

ClinVar aggregate classification (germline): Uncertain significance. Review status: criteria provided, multiple submitters, no conflicts (2 of 4 stars). 2 submissions from 2 submitters: Uncertain significance (2). Last evaluated 2025-10-08.

Conditions:
Malignant hyperthermia, susceptibility to, 1 (MHS1). Also called: RYR1-Related Malignant Hyperthermia Susceptibility; Malignant hyperthermia suceptibility 1; Anesthesia related hyperthermia; Malignant hyperpyrexia; Fulminating hyperpyrexia; Pharmacogenic myopathy. Identifiers: Orphanet 423, MedGen C2930980, MONDO:0007783, OMIM 145600.
Central core myopathy (CMYO1A). Also called: CONGENITAL MYOPATHY 1A, AUTOSOMAL DOMINANT, WITH SUSCEPTIBILITY TO MALIGNANT HYPERTHERMIA; Central core disease; Myopathy, central fibrillar. Identifiers: Orphanet 597, MedGen C5830701, MONDO:0007294, OMIM 117000.
Congenital multicore myopathy with external ophthalmoplegia (CMYO1B). Also called: Minicore myopathy with external ophthalmoplegia; MULTIMINICORE DISEASE WITH EXTERNAL OPHTHALMOPLEGIA; MULTICORE MYOPATHY; Congenital myopathy 1B, autosomal recessive; Minicore myopathy. Identifiers: Orphanet 598, Orphanet 98905, MedGen C1850674, MONDO:0009712, OMIM 255320, HP:0003789.
Congenital myopathy with fiber type disproportion. Also called: Congenital fiber-type disproportion; Congenital fiber-type disproportion myopathy. Identifiers: Orphanet 2020, MedGen C0546264, MONDO:0009711. Inheritance: all.
King Denborough syndrome (KDS). Identifiers: MedGen C1840365, MONDO:0020485, OMIM 619542.
RYR1-related disorder. Also called: RYR1-related condition; RYR1-related disorders. Identifiers: MedGen CN239331.

Submissions (2):

Labcorp Genetics (formerly Invitae), Labcorp
Classification: Uncertain significance for RYR1-related disorder. Last evaluated: 2025-10-08. Review status: criteria provided, single submitter. Criteria: Invitae Variant Classification Sherloc (09022015). Collection method: clinical testing. Allele origin: germline.
Comment: This variant, c.13032_13040dup, results in the insertion of 3 amino acid(s) of the RYR1 protein (p.Ala4346_Ala4348dup), but otherwise preserves the integrity of the reading frame. This variant is not present in population databases (gnomAD no frequency). This variant has not been reported in the literature in individuals affected with RYR1-related conditions. ClinVar contains an entry for this variant (Variation ID: 1354990). Experimental studies and prediction algorithms are not available or were not evaluated, and the functional significance of this variant is currently unknown. In summary, the available evidence is currently insufficient to determine the role of this variant in disease. Therefore, it has been classified as a Variant of Uncertain Significance.

Fulgent Genetics
Classification: Uncertain significance for Central core myopathy; Malignant hyperthermia, susceptibility to, 1; Congenital myopathy 4A, autosomal dominant; Congenital multicore myopathy with external ophthalmoplegia; King Denborough syndrome. Last evaluated: 2021-10-18. Review status: criteria provided, single submitter. Criteria: ACMG Guidelines, 2015. Collection method: clinical testing. Allele origin: unknown.